The following is an entry in ClinVar:

ClinVar aggregate classification (germline): Conflicting classifications of pathogenicity. Review status: criteria provided, conflicting classifications (1 of 4 stars). 7 submissions from 7 submitters: Pathogenic (1); Likely pathogenic (1); Uncertain significance (5). Last evaluated 2024-09-29.

Conditions:
SPG7-related disorder. Also called: SPG7-related condition.
Inborn genetic diseases. Identifiers: MedGen C0950123, MeSH D030342.
Hereditary spastic paraplegia 7 (SPG7). Also called: Spastic paraplegia 7; Hereditary spastic paraplegia Paraplegin type; SPASTIC PARAPLEGIA 7, AUTOSOMAL RECESSIVE, WITH OR WITHOUT CEREBELLAR ATAXIA; SPG7-related neurologic disorder; Autosomal recessive spastic paraplegia type 7. Identifiers: Orphanet 99013, MedGen C1846564, MONDO:0011803, OMIM 607259.

Allele frequency attached by ClinVar (database versions not stated): gnomAD 0.00001; gnomAD exomes 0.00001; TOPMed 0.00003.
gnomAD v4.1: 35 of 1,613,978 alleles (0.0022%); highest among the groups gnomAD compares: South Asian, 0.0044%; no homozygotes.

Submissions (7):

Labcorp Genetics (formerly Invitae), Labcorp
Classification: Uncertain significance for Hereditary spastic paraplegia 7. Last evaluated: 2024-09-29. Review status: criteria provided, single submitter. Criteria: Invitae Variant Classification Sherloc (09022015). Collection method: clinical testing. Allele origin: germline.
Comment: This sequence change replaces arginine, which is basic and polar, with glutamine, which is neutral and polar, at codon 470 of the SPG7 protein (p.Arg470Gln). This variant is present in population databases (no rsID available, gnomAD 0.002%). This missense change has been observed in individuals with spastic paraplegia (PMID: 22964162, 34983064; internal data). ClinVar contains an entry for this variant (Variation ID: 644622). Invitae Evidence Modeling of protein sequence and biophysical properties (such as structural, functional, and spatial information, amino acid conservation, physicochemical variation, residue mobility, and thermodynamic stability) indicates that this missense variant is expected to disrupt SPG7 protein function with a positive predictive value of 80%. In summary, the available evidence is currently insufficient to determine the role of this variant in disease. Therefore, it has been classified as a Variant of Uncertain Significance.

GeneDx
Classification: Uncertain significance. Last evaluated: 2024-08-22. Review status: criteria provided, single submitter. Criteria: GeneDx Variant Classification Process June 2021. Collection method: clinical testing. Allele origin: germline. Affected: yes.
Comment: Not observed at significant frequency in large population cohorts (gnomAD); In silico analysis supports that this missense variant has a deleterious effect on protein structure/function; This variant is associated with the following publications: (PMID: 34983064, 22964162)

Mayo Clinic Laboratories, Mayo Clinic
Classification: Uncertain significance. Last evaluated: 2024-03-04. Review status: criteria provided, single submitter. Criteria: ACMG Guidelines, 2015. Collection method: clinical testing. Allele origin: germline. Observed: 1 variant allele.
Comment: PP3, PM2_moderate

Blueprint Genetics
Classification: Likely pathogenic for SPG7-related disorders. Last evaluated: 2024-01-18. Review status: criteria provided, single submitter. Criteria: ACMG Guidelines, 2015. Collection method: clinical testing. Allele origin: germline. Affected: yes. Observed: 2 variant alleles.

Women's Health and Genetics/Laboratory Corporation of America, LabCorp
Classification: Uncertain significance. Last evaluated: 2023-07-27. Review status: criteria provided, single submitter. Criteria: LabCorp Variant Classification Summary - May 2015. Collection method: clinical testing. Allele origin: germline.
Comment: Variant summary: SPG7 c.1409G>A (p.Arg470Gln) results in a conservative amino acid change located in the AAA+ ATPase domain (IPR003593) of the encoded protein sequence. Four of five in-silico tools predict a damaging effect of the variant on protein function. The variant allele was found at a frequency of 8e-06 in 251386 control chromosomes. The available data on variant occurrences in the general population are insufficient to allow any conclusion about variant significance. c.1409G>A has been reported in the literature in two homozygous siblings affected with Hereditary Spastic Paraplegia 7 and optical nerve atrophy (example, van Gassen_2012). However, the authors state that the influence of other variants cannot be ruled out given the predominant visual phenotype of the siblings, so this report does not provide unequivocal conclusions about association of the variant with Hereditary Spastic Paraplegia 7. To our knowledge, no experimental evidence demonstrating an impact on protein function has been reported. The following publication has been ascertained in the context of this evaluation (PMID: 22964162). Two submitters have cited clinical-significance assessments for this variant to ClinVar after 2014. All submitters classified the variant as uncertain significance. Based on the evidence outlined above, the variant was classified as uncertain significance.

Ambry Genetics
Classification: Uncertain significance for Inborn genetic diseases. Last evaluated: 2022-09-08. Review status: criteria provided, single submitter. Criteria: Ambry Variant Classification Scheme 2023. Collection method: clinical testing. Allele origin: germline.

Paris Brain Institute, Inserm - ICM
Classification: Pathogenic for Hereditary spastic paraplegia 7. Review status: criteria provided, single submitter. Criteria: ACMG Guidelines, 2015. Collection method: clinical testing. Allele origin: unknown. Affected: yes. Observed: 1 variant allele.

Literature cited by the submitters: PubMed 22964162 (cited by 4 submitters); PubMed 34983064 (cited by Labcorp Genetics (formerly Invitae), Labcorp and Mayo Clinic Laboratories, Mayo Clinic).

NM_003119.4(SPG7):c.1409G>A (p.Arg470Gln)

Gene: SPG7 (SPG7 matrix AAA peptidase subunit, paraplegin; plus strand). Cytogenetic location: 16q24.3.
Variant type: single nucleotide variant.
Coding change: c.1409G>A on transcript NM_003119.4 (MANE Select); coding-DNA position 1409, G replaced by A.
Protein change: p.Arg470Gln; replaces arginine 470 with glutamine.
Molecular consequence: missense variant.
Genome position (GRCh38, 1-based): chr16:89,544,732, G>A. VCF-style: chr16-89544732-G-A. GRCh37 (hg19) VCF-style: chr16-89611140-G-A.
Other names: p.Arg470Gln; c.1409G>A (NM_003119.2); c.1409G>A, p.Arg470Gln (NM_001363850.1); short protein forms R470Q.
Identifiers: ClinVar variation 644622 (VCV000644622.16), dbSNP rs756535079, ClinGen allele CA286560203.